The following is an entry in ClinVar:

ClinVar aggregate classification (germline): Conflicting classifications of pathogenicity. Review status: criteria provided, conflicting classifications (1 of 4 stars). 6 submissions from 6 submitters: Uncertain significance (4); Likely benign (2). Last evaluated 2025-10-20.

Conditions:
Cone-rod dystrophy 15 (CORD15). Identifiers: MedGen C3150912, MONDO:0013348, OMIM 613660.
CDHR1-related disorder. Also called: CDHR1-related condition.
Inborn genetic diseases. Identifiers: MedGen C0950123, MeSH D030342.

Allele frequency attached by ClinVar (database versions not stated): gnomAD 0.00006 and 0.00015; TOPMed 0.00008; ESP Exome Variant Server 0.00015; gnomAD exomes 0.00020 and 0.00032; ExAC 0.00038; 1000 Genomes Project 30x 0.00047; 1000 Genomes Project 0.00060.
gnomAD v4.1: 313 of 1,614,230 alleles (0.019%); highest among the groups gnomAD compares: South Asian, 0.27%; 4 homozygotes.

Submissions (6):

Labcorp Genetics (formerly Invitae), Labcorp
Classification: Likely benign. Last evaluated: 2025-10-20. Review status: criteria provided, single submitter. Criteria: Invitae Variant Classification Sherloc (09022015). Collection method: clinical testing. Allele origin: germline.

PreventionGenetics, part of Exact Sciences
Classification: Likely benign for CDHR1-related condition. Last evaluated: 2025-05-19. Review status: criteria provided, single submitter. Criteria: ACMG Guidelines, 2015. Collection method: clinical testing. Allele origin: germline.
Comment: This variant is classified as likely benign based on ACMG/AMP sequence variant interpretation guidelines (Richards et al. 2015 PMID: 25741868, with internal and published modifications).

Blueprint Genetics
Classification: Uncertain significance. Last evaluated: 2024-10-14. Review status: criteria provided, single submitter. Criteria: ACMG Guidelines, 2015. Collection method: clinical testing. Allele origin: germline.

Ambry Genetics
Classification: Uncertain significance for Inborn genetic diseases. Last evaluated: 2023-02-15. Review status: criteria provided, single submitter. Criteria: Ambry Variant Classification Scheme 2023. Collection method: clinical testing. Allele origin: germline.
Comment: The c.1471G>A (p.V491M) alteration is located in exon 13 (coding exon 13) of the CDHR1 gene. This alteration results from a G to A substitution at nucleotide position 1471, causing the valine (V) at amino acid position 491 to be replaced by a methionine (M). This amino acid position is highly conserved in available vertebrate species. The in silico prediction for this alteration is inconclusive. Based on insufficient or conflicting evidence, the clinical significance of this alteration remains unclear.

Illumina Laboratory Services, Illumina
Classification: Uncertain significance for Cone-rod dystrophy 15. Last evaluated: 2018-01-13. Review status: criteria provided, single submitter. Criteria: ICSL Variant Classification Criteria 13 December 2019. Collection method: clinical testing. Allele origin: germline.

Eurofins Ntd Llc (ga)
Classification: Uncertain significance. Last evaluated: 2016-11-17. Review status: criteria provided, single submitter. Criteria: EGL Classification Definitions 2015. Collection method: clinical testing. Allele origin: germline. Observed: 1 variant allele, 1 heterozygote.

NM_033100.4(CDHR1):c.1471G>A (p.Val491Met)

Gene: CDHR1 (cadherin related family member 1; plus strand). Cytogenetic location: 10q23.1.
Variant type: single nucleotide variant.
Coding change: c.1471G>A on transcript NM_033100.4 (MANE Select); coding-DNA position 1471, G replaced by A.
Protein change: p.Val491Met; replaces valine 491 with methionine.
Molecular consequence: missense variant.
Genome position (GRCh38, 1-based): chr10:84,211,151, G>A. VCF-style: chr10-84211151-G-A. GRCh37 (hg19) VCF-style: chr10-85970907-G-A.
Other names: c.1471G>A, p.Val491Met (NM_001171971.3); c.1471G>A (NM_033100.2); short protein forms V491M.
Identifiers: ClinVar variation 301243 (VCV000301243.22), dbSNP rs138638103, ClinGen allele CA5579946.